The following is an entry in ClinVar:

NM_000352.6(ABCC8):c.2858A>C (p.Gln953Pro)

Gene: ABCC8 (ATP binding cassette subfamily C member 8; minus strand). Cytogenetic location: 11p15.1.
Variant type: single nucleotide variant.
Coding change: c.2858A>C on transcript NM_000352.6 (MANE Select); coding-DNA position 2858, A replaced by C.
Protein change: p.Gln953Pro; replaces glutamine 953 with proline.
Molecular consequence: missense variant. On other transcripts: non-coding transcript variant (1).
Genome position (GRCh38, 1-based): chr11:17,407,416, T>G on the plus strand (A>C on the coding strand, the complement: ABCC8 is on the minus strand). VCF-style: chr11-17407416-T-G. GRCh37 (hg19) VCF-style: chr11-17428963-T-G.
Other names: c.2861A>C, p.Gln954Pro (NM_001287174.3); c.2924A>C, p.Gln975Pro (NM_001351295.2); c.2858A>C, p.Gln953Pro (NM_001351296.2); c.2855A>C, p.Gln952Pro (NM_001351297.2); short protein forms Q953P, Q954P, Q952P, Q975P.
Identifiers: ClinVar variation 434049 (VCV000434049.9), dbSNP rs761960758, ClinGen allele CA5903000.

ClinVar aggregate classification (germline): Uncertain significance. Review status: criteria provided, multiple submitters, no conflicts (2 of 4 stars). 3 submissions from 3 submitters: Uncertain significance (3). Last evaluated 2022-08-22.

Conditions:
Type 2 diabetes mellitus. Also called: Type II diabetes mellitus. Identifiers: MedGen C0011860, MeSH D003924, MONDO:0005148, OMIM 125853, HP:0005978.
Diabetes mellitus, permanent neonatal 3. Also called: ABCC8-Related Permanent Neonatal Diabetes Mellitus. Identifiers: MedGen C5394303, MONDO:0030088, OMIM 618857.
Hyperinsulinemic hypoglycemia, familial, 1 (HHF1). Also called: Persistent hyperinsulinemic hypoglycemia of infancy; Persistent Hyperinsulinemia Hypoglycemia of Infancy; HYPERINSULINISM, FAMILIAL, WITH PANCREATIC NESIDIOBLASTOSIS; HYPOGLYCEMIA, HYPERINSULINEMIC, OF INFANCY; NESIDIOBLASTOSIS OF PANCREAS. Identifiers: Orphanet 276575, Orphanet 276598, MedGen C2931832, MONDO:0009734, OMIM 256450.
Leucine-induced hypoglycemia (LIH). Also called: LEUCINE-SENSITIVE HYPOGLYCEMIA OF INFANCY. Identifiers: MedGen C0271714, MONDO:0009415, OMIM 240800.
Diabetes mellitus, transient neonatal, 2 (TNDM2). Identifiers: Orphanet 99886, MedGen C1835887, MONDO:0012480, OMIM 610374. Disease mechanism: loss of function.

Allele frequency attached by ClinVar (database versions not stated): ExAC 0.00001.
gnomAD v4.1: 1 of 1,614,022 alleles (0.000062%); highest among the groups gnomAD compares: Admixed American, 0.0017%; no homozygotes.

Submissions (3):

Labcorp Genetics (formerly Invitae), Labcorp
Classification: Uncertain significance. Last evaluated: 2022-08-22. Review status: criteria provided, single submitter. Criteria: Invitae Variant Classification Sherloc (09022015). Collection method: clinical testing. Allele origin: germline.
Comment: This sequence change replaces glutamine, which is neutral and polar, with proline, which is neutral and non-polar, at codon 953 of the ABCC8 protein (p.Gln953Pro). This variant is present in population databases (rs761960758, gnomAD 0.003%). This variant has not been reported in the literature in individuals affected with ABCC8-related conditions. ClinVar contains an entry for this variant (Variation ID: 434049). Advanced modeling of protein sequence and biophysical properties (such as structural, functional, and spatial information, amino acid conservation, physicochemical variation, residue mobility, and thermodynamic stability) performed at Invitae indicates that this missense variant is not expected to disrupt ABCC8 protein function. In summary, the available evidence is currently insufficient to determine the role of this variant in disease. Therefore, it has been classified as a Variant of Uncertain Significance.

Fulgent Genetics
Classification: Uncertain significance for Type 2 diabetes mellitus; Leucine-induced hypoglycemia; Hyperinsulinemic hypoglycemia, familial, 1; Diabetes mellitus, transient neonatal, 2; Diabetes mellitus, permanent neonatal 3. Last evaluated: 2021-07-23. Review status: criteria provided, single submitter. Criteria: ACMG Guidelines, 2015. Collection method: clinical testing. Allele origin: unknown.

Genetic Services Laboratory, University of Chicago
Classification: Uncertain significance. Last evaluated: 2016-01-04. Review status: criteria provided, single submitter. Criteria: ACMG Guidelines, 2015. Collection method: clinical testing. Allele origin: germline. Affected: no.